The following is an entry in ClinVar:

ClinVar aggregate classification (germline): Uncertain significance. Review status: criteria provided, multiple submitters, no conflicts (2 of 4 stars). 2 submissions from 2 submitters: Uncertain significance (2). Last evaluated 2023-12-12.

Conditions:
Inborn genetic diseases. Identifiers: MedGen C0950123, MeSH D030342.

Allele frequency attached by ClinVar (database versions not stated): ExAC 0.00001; gnomAD exomes 0.00001.
gnomAD v4.1: 13 of 1,210,729 alleles (0.0011%); highest among the groups gnomAD compares: East Asian, 0.0059%; no homozygotes.

Submissions (2):

Ambry Genetics
Classification: Uncertain significance for Inborn genetic diseases. Last evaluated: 2023-12-12. Review status: criteria provided, single submitter. Criteria: Ambry Variant Classification Scheme 2023. Collection method: clinical testing. Allele origin: germline.

Labcorp Genetics (formerly Invitae), Labcorp
Classification: Uncertain significance. Last evaluated: 2022-09-27. Review status: criteria provided, single submitter. Criteria: Invitae Variant Classification Sherloc (09022015). Collection method: clinical testing. Allele origin: germline.
Comment: This sequence change replaces threonine, which is neutral and polar, with methionine, which is neutral and non-polar, at codon 624 of the FRMD7 protein (p.Thr624Met). This variant is present in population databases (rs751858239, gnomAD 0.008%). This variant has not been reported in the literature in individuals affected with FRMD7-related conditions. Algorithms developed to predict the effect of missense changes on protein structure and function are either unavailable or do not agree on the potential impact of this missense change (SIFT: "Tolerated"; PolyPhen-2: "Possibly Damaging"; Align-GVGD: "Class C0"). In summary, the available evidence is currently insufficient to determine the role of this variant in disease. Therefore, it has been classified as a Variant of Uncertain Significance.

NM_194277.3(FRMD7):c.1871C>T (p.Thr624Met)

Gene: FRMD7 (FERM domain containing 7; minus strand). Cytogenetic location: Xq26.2.
Variant type: single nucleotide variant.
Coding change: c.1871C>T on transcript NM_194277.3 (MANE Select); coding-DNA position 1871, C replaced by T.
Protein change: p.Thr624Met; replaces threonine 624 with methionine.
Molecular consequence: missense variant.
Genome position (GRCh38, 1-based): chrX:132,078,146, G>A on the plus strand (C>T on the coding strand, the complement: FRMD7 is on the minus strand). VCF-style: chrX-132078146-G-A. GRCh37 (hg19) VCF-style: chrX-131212174-G-A.
Other names: c.1826C>T, p.Thr609Met (NM_001306193.2); short protein forms T624M, T609M.
Identifiers: ClinVar variation 2075949 (VCV002075949.2), dbSNP rs751858239, ClinGen allele CA10518809.